The following is an entry in ClinVar:

ClinVar aggregate classification (germline): Pathogenic. Review status: criteria provided, multiple submitters, no conflicts (2 of 4 stars). 2 submissions from 2 submitters: Pathogenic (2). Last evaluated 2024-02-01.

Conditions:
Coffin-Siris syndrome 6. Identifiers: MedGen C4540499, MONDO:0033492, OMIM 617808.

Submissions (2):

Genetics Department, University Hospital of Angers
Classification: Pathogenic for Coffin-Siris syndrome 6. Last evaluated: 2024-02-01. Review status: criteria provided, single submitter. Criteria: ACMG Guidelines, 2015. Collection method: clinical testing. Allele origin: de novo. Affected: yes.

GeneDx
Classification: Pathogenic. Last evaluated: 2020-08-27. Review status: criteria provided, single submitter. Criteria: GeneDx Variant Classification Process June 2021. Collection method: clinical testing. Allele origin: germline. Affected: yes.
Comment: Nonsense variant predicted to result in protein truncation or nonsense mediated decay in a gene for which loss-of-function is a known mechanism of disease; Not observed in large population cohorts (Lek et al., 2016); Has not been previously published as pathogenic or benign to our knowledge

NM_152641.4(ARID2):c.5260C>T (p.Arg1754Ter)

Gene: ARID2 (AT-rich interaction domain 2; plus strand). Cytogenetic location: 12q12.
Variant type: single nucleotide variant.
Coding change: c.5260C>T on transcript NM_152641.4 (MANE Select); coding-DNA position 5260, C replaced by T.
Protein change: p.Arg1754Ter; replaces arginine 1754 with a stop codon.
Molecular consequence: nonsense.
Genome position (GRCh38, 1-based): chr12:45,893,532, C>T. VCF-style: chr12-45893532-C-T. GRCh37 (hg19) VCF-style: chr12-46287315-C-T.
Other names: c.5260C>T, p.Arg1754Ter (NM_001347839.2); short protein forms R1754*.
Identifiers: ClinVar variation 620566 (VCV000620566.4), dbSNP rs1565642121, ClinGen allele CA384498869.